The following is an entry in ClinVar:

NM_020163.3(SEMA3G):c.980C>A (p.Ala327Glu)

Gene: SEMA3G (semaphorin 3G; minus strand). Cytogenetic location: 3p21.1.
Variant type: single nucleotide variant.
Coding change: c.980C>A on transcript NM_020163.3 (MANE Select); coding-DNA position 980, C replaced by A.
Protein change: p.Ala327Glu; replaces alanine 327 with glutamic acid.
Molecular consequence: missense variant.
Genome position (GRCh38, 1-based): chr3:52,440,772, G>T on the plus strand (C>A on the coding strand, the complement: SEMA3G is on the minus strand). VCF-style: chr3-52440772-G-T. GRCh37 (hg19) VCF-style: chr3-52474788-G-T.
Other names: short protein forms A327E.
Identifiers: ClinVar variation 3349586 (VCV003349586.1).

ClinVar aggregate classification (germline): Uncertain significance (0 of 4 stars; one submission).

Conditions:
SEMA3G-related disorder. Also called: SEMA3G-related condition.

Submission:

PreventionGenetics, part of Exact Sciences
Classification: Uncertain significance for SEMA3G-related condition. Last evaluated: 2024-06-26. Review status: no assertion criteria provided. Collection method: clinical testing. Allele origin: germline.
Comment: The SEMA3G c.980C>A variant is predicted to result in the amino acid substitution p.Ala327Glu. To our knowledge, this variant has not been reported in the literature or in a large population database, indicating this variant is rare. At this time, the clinical significance of this variant is uncertain due to the absence of conclusive functional and genetic evidence.